The following is an entry in ClinVar:

ClinVar aggregate classification (germline): Uncertain significance. Review status: criteria provided, multiple submitters, no conflicts (2 of 4 stars). 6 submissions from 6 submitters: Uncertain significance (5). 1 of the submissions does not count toward it. Last evaluated 2026-04-27.

Conditions:
Cohen syndrome (COH1). Also called: PEPPER SYNDROME; Cutis verticis gyrata, retinitis pigmentosa, and sensorineural deafness. Identifiers: Orphanet 193, MedGen C0265223, MONDO:0008999, OMIM 216550.
VPS13B-related disorder. Also called: VPS13B-related condition.
Intellectual disability. Also called: Intellectual developmental disorder; Intellectual functioning disability; intellectual disabilities. Identifiers: MedGen C3714756, MeSH D008607, MONDO:0001071, HP:0001249.

Allele frequency attached by ClinVar (database versions not stated): TOPMed 0.00002; gnomAD exomes 0.00011; ExAC 0.00015.
gnomAD v4.1: 107 of 1,613,904 alleles (0.0066%); highest among the groups gnomAD compares: South Asian, 0.093%; 1 homozygote.

Submissions (6):

PreventionGenetics, part of Exact Sciences
Classification: Uncertain significance for VPS13B-related condition. Last evaluated: 2026-04-27. Review status: criteria provided, single submitter. Criteria: ACMG Guidelines, 2015. Collection method: clinical testing. Allele origin: germline.
Comment: The VPS13B c.2880A>T variant is predicted to result in the amino acid substitution p.Leu960Phe. To our knowledge, this variant has not been reported in the literature. This variant is reported in 0.082% of alleles in individuals of South Asian descent in gnomAD. Although we suspect that this variant may be benign, the clinical significance of this variant is uncertain at this time due to the absence of conclusive functional and genetic evidence.

Labcorp Genetics (formerly Invitae), Labcorp
Classification: Uncertain significance for Cohen syndrome. Last evaluated: 2024-10-16. Review status: criteria provided, single submitter. Criteria: Invitae Variant Classification Sherloc (09022015). Collection method: clinical testing. Allele origin: germline.
Comment: This sequence change replaces leucine, which is neutral and non-polar, with phenylalanine, which is neutral and non-polar, at codon 960 of the VPS13B protein (p.Leu960Phe). This variant is present in population databases (rs760792770, gnomAD 0.08%). This variant has not been reported in the literature in individuals affected with VPS13B-related conditions. ClinVar contains an entry for this variant (Variation ID: 565313). Invitae Evidence Modeling of protein sequence and biophysical properties (such as structural, functional, and spatial information, amino acid conservation, physicochemical variation, residue mobility, and thermodynamic stability) indicates that this missense variant is not expected to disrupt VPS13B protein function with a negative predictive value of 80%. In summary, the available evidence is currently insufficient to determine the role of this variant in disease. Therefore, it has been classified as a Variant of Uncertain Significance.

Blueprint Genetics
Classification: Uncertain significance. Last evaluated: 2024-08-29. Review status: criteria provided, single submitter. Criteria: ACMG Guidelines, 2015. Collection method: clinical testing. Allele origin: germline.

Cambridge Genomics Laboratory, East Genomic Laboratory Hub, NHS Genomic Medicine Service
Classification: Uncertain significance for Intellectual disability. Last evaluated: 2019-04-17. Review status: criteria provided, single submitter. Criteria: ACGS Best Practice Guidelines for Variant Classification in Rare Disease 2020. Collection method: clinical testing. Allele origin: germline. Affected: yes. Observed: 1 variant allele.

Fulgent Genetics
Classification: Uncertain significance for Cohen syndrome. Last evaluated: 2018-10-31. Review status: criteria provided, single submitter. Criteria: ACMG Guidelines, 2015. Collection method: clinical testing. Allele origin: unknown.

Natera, Inc.
Classification: Uncertain significance for Cohen syndrome. Last evaluated: 2020-09-16. Review status: no assertion criteria provided. Collection method: clinical testing. Allele origin: germline. Not counted in ClinVar's aggregate classification.

NM_152564.5(VPS13B):c.2880A>T (p.Leu960Phe)

Gene: VPS13B (vacuolar protein sorting 13 homolog B; plus strand). Cytogenetic location: 8q22.2.
Variant type: single nucleotide variant.
Coding change: c.2880A>T on transcript NM_152564.5 (MANE Select); coding-DNA position 2880, A replaced by T.
Protein change: p.Leu960Phe; replaces leucine 960 with phenylalanine.
Molecular consequence: missense variant.
Genome position (GRCh38, 1-based): chr8:99,384,263, A>T. VCF-style: chr8-99384263-A-T. GRCh37 (hg19) VCF-style: chr8-100396491-A-T.
Other names: c.2880A>T, p.Leu960Phe (NM_017890.5); c.2880A>T (NM_152564.4); short protein forms L960F.
Identifiers: ClinVar variation 565313 (VCV000565313.12), dbSNP rs760792770, ClinGen allele CA4823076.